The following is an entry in ClinVar:

NM_005419.4(STAT2):c.2478G>T (p.Gln826His)

Gene: STAT2 (signal transducer and activator of transcription 2; minus strand). Cytogenetic location: 12q13.3.
Variant type: single nucleotide variant.
Coding change: c.2478G>T on transcript NM_005419.4 (MANE Select); coding-DNA position 2478, G replaced by T.
Protein change: p.Gln826His; replaces glutamine 826 with histidine.
Molecular consequence: missense variant.
Genome position (GRCh38, 1-based): chr12:56,343,467, C>A on the plus strand (G>T on the coding strand, the complement: STAT2 is on the minus strand). VCF-style: chr12-56343467-C-A. GRCh37 (hg19) VCF-style: chr12-56737251-C-A.
Other names: c.2478G>T, p.Gln826His (LRG_1329t1); c.2466G>T, p.Gln822His (NM_198332.2); short protein forms Q826H, Q822H.
Identifiers: ClinVar variation 475692 (VCV000475692.44), dbSNP rs2229363, ClinGen allele CA6630241.

ClinVar aggregate classification (germline): Benign/Likely benign. Review status: criteria provided, multiple submitters, no conflicts (2 of 4 stars). 5 submissions from 5 submitters: Benign (3); Likely benign (1). 1 of the submissions does not count toward it. Last evaluated 2026-08-01.

Conditions:
STAT2-related disorder. Also called: STAT2-related condition.
Primary immunodeficiency with post-measles-mumps-rubella vaccine viral infection. Also called: Immunodeficiency 44. Identifiers: Orphanet 431166, MedGen C4225260, MONDO:0014715, OMIM 616636.

Allele frequency attached by ClinVar (database versions not stated): 1000 Genomes Project 30x 0.00297; 1000 Genomes Project 0.00300; TOPMed 0.00721; ExAC 0.00770; gnomAD exomes 0.00789; gnomAD 0.00791 and 0.00804; ESP Exome Variant Server 0.00892.
gnomAD v4.1: 14,384 of 1,614,160 alleles (0.89%); highest among the groups gnomAD compares: Middle Eastern, 2.1%; 87 homozygotes.

Submissions (5):

CeGaT Center for Human Genetics Tuebingen
Classification: Benign. Last evaluated: 2026-08-01. Review status: criteria provided, single submitter. Criteria: CeGaT Center For Human Genetics Tuebingen Variant Classification Criteria Version 2. Collection method: clinical testing. Allele origin: germline. Affected: yes. Observed: 46 variant alleles.
Comment: STAT2: PP2, BP4, BS1, BS2

Women's Health and Genetics/Laboratory Corporation of America, LabCorp
Classification: Likely benign. Last evaluated: 2026-02-12. Review status: criteria provided, single submitter. Criteria: LabCorp Variant Classification Summary - May 2015. Collection method: clinical testing. Allele origin: germline.
Comment: Variant summary: STAT2 c.2478G>T (p.Gln826His) results in a non-conservative amino acid change in the encoded protein sequence. Algorithms developed to predict the effect of missense changes on protein structure and function are either unavailable or do not agree on the potential impact of this missense change. The variant allele was found at a frequency of 0.0079 in 251442 control chromosomes in the gnomAD database, including 13 homozygotes. The observed variant frequency exceeds the estimated maximal expected allele frequency for disease-causing variants in STAT2. To our knowledge, no occurrence of c.2478G>T in individuals affected with STAT2-related conditions and no experimental evidence demonstrating its impact on protein function have been reported. ClinVar contains an entry for this variant (Variation ID: 475692). Based on the evidence outlined above, the variant was classified as likely benign.

Labcorp Genetics (formerly Invitae), Labcorp
Classification: Benign for Primary immunodeficiency with post-measles-mumps-rubella vaccine viral infection. Last evaluated: 2026-02-01. Review status: criteria provided, single submitter. Criteria: Invitae Variant Classification Sherloc (09022015). Collection method: clinical testing. Allele origin: germline.

Breakthrough Genomics
Classification: Benign. Review status: criteria provided, single submitter. Criteria: ACMG Guidelines, 2015. Collection method: not provided. Allele origin: germline. Inheritance: Autosomal recessive inheritance. Affected: yes.

PreventionGenetics, part of Exact Sciences
Classification: Benign for STAT2-related condition. Last evaluated: 2019-04-12. Review status: no assertion criteria provided. Collection method: clinical testing. Allele origin: germline. Not counted in ClinVar's aggregate classification.
Comment: This variant is classified as benign based on ACMG/AMP sequence variant interpretation guidelines (Richards et al. 2015 PMID: 25741868, with internal and published modifications).